The following is an entry in ClinVar:

NM_000341.4(SLC3A1):c.1010C>T (p.Pro337Leu)

Gene: SLC3A1 (solute carrier family 3 member 1; plus strand). Cytogenetic location: 2p21.
Variant type: single nucleotide variant.
Coding change: c.1010C>T on transcript NM_000341.4 (MANE Select); coding-DNA position 1010, C replaced by T.
Protein change: p.Pro337Leu; replaces proline 337 with leucine.
Molecular consequence: missense variant.
Genome position (GRCh38, 1-based): chr2:44,300,089, C>T. VCF-style: chr2-44300089-C-T. GRCh37 (hg19) VCF-style: chr2-44527228-C-T.
Other names: short protein forms P337L.
Identifiers: ClinVar variation 1986702 (VCV001986702.4), dbSNP rs201763200, ClinGen allele CA1640354.

ClinVar aggregate classification (germline): Uncertain significance (1 of 4 stars; one submission).

Conditions:
Cystinuria (CSNU). Also called: CYSTINURIA, TYPE I; CYSTINURIA, TYPE II; CYSTINURIA, TYPE III; Cystinuria, non-type I. Identifiers: Orphanet 214, MedGen C0010691, MONDO:0009067, OMIM 220100, HP:0003131.

Allele frequency attached by ClinVar (database versions not stated): gnomAD exomes 0.00001; TOPMed 0.00001; ExAC 0.00002.
gnomAD v4.1: 17 of 1,613,856 alleles (0.0011%); highest among the groups gnomAD compares: Admixed American, 0.0017%; no homozygotes.

Submission:

Labcorp Genetics (formerly Invitae), Labcorp
Classification: Uncertain significance for Cystinuria. Last evaluated: 2022-07-29. Review status: criteria provided, single submitter. Criteria: Invitae Variant Classification Sherloc (09022015). Collection method: clinical testing. Allele origin: germline.
Comment: This sequence change replaces proline, which is neutral and non-polar, with leucine, which is neutral and non-polar, at codon 337 of the SLC3A1 protein (p.Pro337Leu). This variant is present in population databases (rs201763200, gnomAD 0.006%). This variant has not been reported in the literature in individuals affected with SLC3A1-related conditions. Algorithms developed to predict the effect of missense changes on protein structure and function output the following: SIFT: "Tolerated"; PolyPhen-2: "Benign"; Align-GVGD: "Class C0". The leucine amino acid residue is found in multiple mammalian species, which suggests that this missense change does not adversely affect protein function. In summary, the available evidence is currently insufficient to determine the role of this variant in disease. Therefore, it has been classified as a Variant of Uncertain Significance.